The following is an entry in ClinVar:

ClinVar aggregate classification (germline): Pathogenic (1 of 4 stars; one submission).

Submission:

Labcorp Genetics (formerly Invitae), Labcorp
Classification: Pathogenic. Last evaluated: 2024-08-29. Review status: criteria provided, single submitter. Criteria: Invitae Variant Classification Sherloc (09022015). Collection method: clinical testing. Allele origin: germline.
Comment: This sequence change creates a premature translational stop signal (p.Asn620Thrfs*13) in the PHEX gene. It is expected to result in an absent or disrupted protein product. Loss-of-function variants in PHEX are known to be pathogenic (PMID: 9097956, 9106524, 19219621). This variant is not present in population databases (gnomAD no frequency). This variant has not been reported in the literature in individuals affected with PHEX-related conditions. For these reasons, this variant has been classified as Pathogenic.

Literature cited by the submitters: PubMed 9097956; PubMed 9106524; PubMed 19219621.

NM_000444.6(PHEX):c.1859del (p.Asn620fs)

Genes: PHEX (phosphate regulating endopeptidase X-linked; plus strand), PTCHD1-AS (PTCHD1 and PHEX antisense RNA; minus strand). Cytogenetic location: Xp22.11.
Variant type: Deletion.
Coding change: c.1859del on transcript NM_000444.6 (MANE Select); coding-DNA position 1859, one base deleted (A; older notation c.1859delA).
Protein change: p.Asn620fs; shifts the reading frame from asparagine 620.
Molecular consequence: frameshift variant.
Genome position (GRCh38, 1-based): chrX:22,221,703, A deleted; the last of 2 consecutive A bases (chrX:22,221,702-22,221,703); deleting either gives the same sequence. VCF-style (leftmost placement, unchanged base first): chrX-22221701-TA-T. GRCh37 (hg19) VCF-style: chrX-22239818-TA-T.
Other names: c.1859del, p.Asn620fs (NM_001282754.2); short protein forms N620fs.
Identifiers: ClinVar variation 3663912 (VCV003663912.2).
Genomic context (GRCh38, chrX:22,221,701, plus strand): 5'-GGATCCTTGGTGGTCTACTGAATCAGAAGAAAAGTTTAAGGAAAAAACAAAATGCATGAT[TA>T]ACCAGTATAGCAACTATTATTGGAAGAAAGCTGGCTTAAATGTGAGTACAACTGTGGCTA-3'